The following is an entry in ClinVar:

NM_020376.4(PNPLA2):c.76G>A (p.Ala26Thr)

Genes: PNPLA2 (patatin like domain 2, triacylglycerol lipase; plus strand), LOC130005097 (ATAC-STARR-seq lymphoblastoid silent region 3036; plus strand). Cytogenetic location: 11p15.5.
Variant type: single nucleotide variant.
Coding change: c.76G>A on transcript NM_020376.4 (MANE Select); coding-DNA position 76, G replaced by A.
Protein change: p.Ala26Thr; replaces alanine 26 with threonine.
Molecular consequence: missense variant.
Genome position (GRCh38, 1-based): chr11:819,794, G>A. VCF-style: chr11-819794-G-A. GRCh37 (hg19) VCF-style: chr11-819794-G-A.
Other names: short protein forms A26T.
Identifiers: ClinVar variation 3011418 (VCV003011418.3), dbSNP rs1322356803, ClinGen allele CA378976622.

ClinVar aggregate classification (germline): Uncertain significance (1 of 4 stars; one submission).

Conditions:
Neutral lipid storage myopathy (NLSDM). Also called: NEUTRAL LIPID STORAGE DISEASE WITHOUT ICHTHYOSIS. Identifiers: Orphanet 98908, MedGen C1853136, MONDO:0012545, OMIM 610717.

Allele frequency attached by ClinVar (database versions not stated): gnomAD exomes below 0.00001; TOPMed below 0.00001.

Submission:

Labcorp Genetics (formerly Invitae), Labcorp
Classification: Uncertain significance for Neutral lipid storage myopathy. Last evaluated: 2024-10-29. Review status: criteria provided, single submitter. Criteria: Invitae Variant Classification Sherloc (09022015). Collection method: clinical testing. Allele origin: germline.
Comment: This sequence change replaces alanine, which is neutral and non-polar, with threonine, which is neutral and polar, at codon 26 of the PNPLA2 protein (p.Ala26Thr). This variant is not present in population databases (gnomAD no frequency). This variant has not been reported in the literature in individuals affected with PNPLA2-related conditions. ClinVar contains an entry for this variant (Variation ID: 3011418). Invitae Evidence Modeling of protein sequence and biophysical properties (such as structural, functional, and spatial information, amino acid conservation, physicochemical variation, residue mobility, and thermodynamic stability) indicates that this missense variant is not expected to disrupt PNPLA2 protein function with a negative predictive value of 80%. In summary, the available evidence is currently insufficient to determine the role of this variant in disease. Therefore, it has been classified as a Variant of Uncertain Significance.